The following is an entry in ClinVar:

ClinVar aggregate classification (germline): Uncertain significance (1 of 4 stars; one submission).

Conditions:
Emery-Dreifuss muscular dystrophy 5, autosomal dominant (EDMD5). Also called: EMERY-DREIFUSS MUSCULAR DYSTROPHY 5. Identifiers: Orphanet 261, MedGen C2751805, MONDO:0013072, OMIM 612999.

Allele frequency attached by ClinVar (database versions not stated): gnomAD exomes 0.00002; gnomAD 0.00003; TOPMed 0.00003.
gnomAD v4.1: 43 of 1,613,504 alleles (0.0027%); highest among the groups gnomAD compares: Non-Finnish European, 0.0032%; no homozygotes.

Submission:

Labcorp Genetics (formerly Invitae), Labcorp
Classification: Uncertain significance for Emery-Dreifuss muscular dystrophy 5, autosomal dominant. Last evaluated: 2022-10-13. Review status: criteria provided, single submitter. Criteria: Invitae Variant Classification Sherloc (09022015). Collection method: clinical testing. Allele origin: germline.
Comment: Algorithms developed to predict the effect of missense changes on protein structure and function are either unavailable or do not agree on the potential impact of this missense change (SIFT: "Deleterious"; PolyPhen-2: "Probably Damaging"; Align-GVGD: "Class C0"). In summary, the available evidence is currently insufficient to determine the role of this variant in disease. Therefore, it has been classified as a Variant of Uncertain Significance. This variant has not been reported in the literature in individuals affected with SYNE2-related conditions. This variant is present in population databases (no rsID available, gnomAD 0.002%). This sequence change replaces serine, which is neutral and polar, with phenylalanine, which is neutral and non-polar, at codon 1721 of the SYNE2 protein (p.Ser1721Phe).

NM_182914.3(SYNE2):c.5162C>T (p.Ser1721Phe)

Gene: SYNE2 (spectrin repeat containing nuclear envelope protein 2; plus strand). Cytogenetic location: 14q23.2.
Variant type: single nucleotide variant.
Coding change: c.5162C>T on transcript NM_182914.3 (MANE Select); coding-DNA position 5162, C replaced by T.
Protein change: p.Ser1721Phe; replaces serine 1721 with phenylalanine.
Molecular consequence: missense variant.
Genome position (GRCh38, 1-based): chr14:64,021,325, C>T. VCF-style: chr14-64021325-C-T. GRCh37 (hg19) VCF-style: chr14-64488043-C-T.
Other names: c.5162C>T, p.Ser1721Phe (NM_015180.6); short protein forms S1721F.
Identifiers: ClinVar variation 1966457 (VCV001966457.5), dbSNP rs931442345, ClinGen allele CA261812062.